The following is an entry in ClinVar:

NM_014795.4(ZEB2):c.2827G>T (p.Ala943Ser)

Gene: ZEB2 (zinc finger E-box binding homeobox 2; minus strand). Cytogenetic location: 2q22.3.
Variant type: single nucleotide variant.
Coding change: c.2827G>T on transcript NM_014795.4 (MANE Select); coding-DNA position 2827, G replaced by T.
Protein change: p.Ala943Ser; replaces alanine 943 with serine.
Molecular consequence: missense variant.
Genome position (GRCh38, 1-based): chr2:144,398,360, C>A on the plus strand (G>T on the coding strand, the complement: ZEB2 is on the minus strand). VCF-style: chr2-144398360-C-A. GRCh37 (hg19) VCF-style: chr2-145155927-C-A.
Other names: c.2755G>T, p.Ala919Ser (NM_001171653.2); short protein forms A943S, A919S.
Identifiers: ClinVar variation 4743728 (VCV004743728.1).
Genomic context (GRCh38, chr2:144,398,360, plus strand): 5'-CCTGAAATCCTTGTTTCCGCTGGTACTTTCTCCTTTGCTGCATATCAGCAAAAGTAGCTG[C>A]TCCAGTTGGGTAGGTGTAGGCCATATGTGGTAGGAAGCTCATCTGATCCAGTCCTGGGTA-3'
Protein context (NP_055610.1, residues 933-953): PHMAYTYPTG[Ala943Ser]ATFADMQQRR

ClinVar aggregate classification (germline): Uncertain significance (1 of 4 stars; one submission).

Conditions:
Mowat-Wilson syndrome (MOWS). Also called: Classic Mowat-Wilson Syndrome. Identifiers: Orphanet 2152, MedGen C1856113, MONDO:0009341, OMIM 235730.

Submission:

Labcorp Genetics (formerly Invitae), Labcorp
Classification: Uncertain significance for Mowat-Wilson syndrome. Last evaluated: 2025-07-13. Review status: criteria provided, single submitter. Criteria: Invitae Variant Classification Sherloc (09022015). Collection method: clinical testing. Allele origin: germline.
Comment: This sequence change replaces alanine, which is neutral and non-polar, with serine, which is neutral and polar, at codon 943 of the ZEB2 protein (p.Ala943Ser). This variant is not present in population databases (gnomAD no frequency). This variant has not been reported in the literature in individuals affected with ZEB2-related conditions. Invitae Evidence Modeling of protein sequence and biophysical properties (such as structural, functional, and spatial information, amino acid conservation, physicochemical variation, residue mobility, and thermodynamic stability) indicates that this missense variant is not expected to disrupt ZEB2 protein function with a negative predictive value of 80%. In summary, the available evidence is currently insufficient to determine the role of this variant in disease. Therefore, it has been classified as a Variant of Uncertain Significance.